The following is an entry in ClinVar:

ClinVar aggregate classification (germline): Uncertain significance (1 of 4 stars; one submission).

Submission:

Labcorp Genetics (formerly Invitae), Labcorp
Classification: Uncertain significance. Last evaluated: 2023-08-23. Review status: criteria provided, single submitter. Criteria: Invitae Variant Classification Sherloc (09022015). Collection method: clinical testing. Allele origin: germline.
Comment: This variant has not been reported in the literature in individuals affected with DARS2-related conditions. This sequence change replaces leucine, which is neutral and non-polar, with histidine, which is basic and polar, at codon 360 of the DARS2 protein (p.Leu360His). This variant is not present in population databases (gnomAD no frequency). Advanced modeling of protein sequence and biophysical properties (such as structural, functional, and spatial information, amino acid conservation, physicochemical variation, residue mobility, and thermodynamic stability) has been performed at Invitae for this missense variant, however the output from this modeling did not meet the statistical confidence thresholds required to predict the impact of this variant on DARS2 protein function. In summary, the available evidence is currently insufficient to determine the role of this variant in disease. Therefore, it has been classified as a Variant of Uncertain Significance.

NM_018122.5(DARS2):c.1079T>A (p.Leu360His)

Gene: DARS2 (aspartyl-tRNA synthetase 2, mitochondrial; plus strand). Cytogenetic location: 1q25.1.
Variant type: single nucleotide variant.
Coding change: c.1079T>A on transcript NM_018122.5 (MANE Select); coding-DNA position 1079, T replaced by A.
Protein change: p.Leu360His; replaces leucine 360 with histidine.
Molecular consequence: missense variant.
Genome position (GRCh38, 1-based): chr1:173,840,924, T>A. VCF-style: chr1-173840924-T-A. GRCh37 (hg19) VCF-style: chr1-173810062-T-A.
Other names: c.1079T>A, p.Leu360His (NM_001365212.1, NM_001365213.2); short protein forms L360H.
Identifiers: ClinVar variation 2754684 (VCV002754684.3), dbSNP rs2525882593, ClinGen allele CA343764248.
Genomic context (GRCh38, chr1:173,840,924, plus strand): 5'-AGATTATAGATATCAGTGATGTGTTTAGAAACACAGAGATTGGATTTCTTCAAGATGCAC[T>A]TAGTAAGCCCCATGGAACTGTGAAAGCCATATGTATCCCTGAAGGAGCAGTAAGTGAAGT-3'
Protein context (NP_060592.2, residues 350-370): NTEIGFLQDA[Leu360His]SKPHGTVKAI